The following is an entry in ClinVar:

ClinVar aggregate classification (germline): Likely benign. Review status: criteria provided, multiple submitters, no conflicts (2 of 4 stars). 2 submissions from 2 submitters: Likely benign (2). Last evaluated 2024-04-22.

Allele frequency attached by ClinVar (database versions not stated): ExAC below 0.00001; gnomAD 0.00001; gnomAD exomes 0.00002; TOPMed 0.00002; ESP Exome Variant Server 0.00008.
gnomAD v4.1: 33 of 1,561,338 alleles (0.0021%); highest among the groups gnomAD compares: Non-Finnish European, 0.0028%; no homozygotes.

Submissions (2):

Labcorp Genetics (formerly Invitae), Labcorp
Classification: Likely benign. Last evaluated: 2024-04-22. Review status: criteria provided, single submitter. Criteria: Invitae Variant Classification Sherloc (09022015). Collection method: clinical testing. Allele origin: germline.

GeneDx
Classification: Likely benign. Last evaluated: 2016-03-01. Review status: criteria provided, single submitter. Criteria: GeneDx Variant Classification (06012015). Collection method: clinical testing. Allele origin: germline. Affected: yes.
Comment: This variant is considered likely benign or benign based on one or more of the following criteria: it is a conservative change, it occurs at a poorly conserved position in the protein, it is predicted to be benign by multiple in silico algorithms, and/or has population frequency not consistent with disease.

NM_017827.4(SARS2):c.636C>T (p.Leu212=)

Gene: SARS2 (seryl-tRNA synthetase 2, mitochondrial; minus strand). Cytogenetic location: 19q13.2.
Variant type: single nucleotide variant.
Coding change: c.636C>T on transcript NM_017827.4 (MANE Select); coding-DNA position 636, C replaced by T.
Protein change: p.Leu212=; no amino-acid change (leucine 212 retained).
Molecular consequence: synonymous variant.
Genome position (GRCh38, 1-based): chr19:38,920,103, G>A on the plus strand (C>T on the coding strand, the complement: SARS2 is on the minus strand). VCF-style: chr19-38920103-G-A. GRCh37 (hg19) VCF-style: chr19-39410743-G-A.
Other names: c.642C>T, p.Leu214= (NM_001145901.2).
Identifiers: ClinVar variation 384231 (VCV000384231.3), dbSNP rs377675680, ClinGen allele CA9423099.
Genomic context (GRCh38, chr19:38,920,103, plus strand): 5'-GGCAGCTGGGAGAGGGGCGTGGGGAGCCAGGGGAGGGGCTCACTTCTGACGGATGATGTC[G>A]AGTTTCTCGCCAATTTCCAGGTGGCCCCGAGGTTGGAAGGAGAAAACTGGATGTGGGTGA-3'
Protein context (NP_060297.1, residues 202-222): PRGHLEIGEK[Leu212=]DIIRQKRLSH